The following is an entry in ClinVar:

ClinVar aggregate classification (germline): Likely benign (1 of 4 stars; one submission).

Submission:

GeneDx
Classification: Likely benign. Last evaluated: 2018-05-07. Review status: criteria provided, single submitter. Criteria: GeneDx Variant Classification (06012015). Collection method: clinical testing. Allele origin: germline. Affected: yes.
Comment: This variant is considered likely benign or benign based on one or more of the following criteria: it is a conservative change, it occurs at a poorly conserved position in the protein, it is predicted to be benign by multiple in silico algorithms, and/or has population frequency not consistent with disease.

NM_033109.5(PNPT1):c.1374G>A (p.Leu458=)

Gene: PNPT1 (polyribonucleotide nucleotidyltransferase 1; minus strand). Cytogenetic location: 2p16.1.
Variant type: single nucleotide variant.
Coding change: c.1374G>A on transcript NM_033109.5 (MANE Select); coding-DNA position 1374, G replaced by A.
Protein change: p.Leu458=; no amino-acid change (leucine 458 retained).
Molecular consequence: synonymous variant.
Genome position (GRCh38, 1-based): chr2:55,656,198, C>T on the plus strand (G>A on the coding strand, the complement: PNPT1 is on the minus strand). VCF-style: chr2-55656198-C-T. GRCh37 (hg19) VCF-style: chr2-55883333-C-T.
Identifiers: ClinVar variation 682394 (VCV000682394.1), dbSNP rs1572809030, ClinGen allele CA426173233.